The following is an entry in ClinVar:

NM_018026.4(PACS1):c.2283C>T (p.Pro761=)

Gene: PACS1 (phosphofurin acidic cluster sorting protein 1; plus strand). Cytogenetic location: 11q13.2.
Variant type: single nucleotide variant.
Coding change: c.2283C>T on transcript NM_018026.4 (MANE Select); coding-DNA position 2283, C replaced by T.
Protein change: p.Pro761=; no amino-acid change (proline 761 retained).
Molecular consequence: synonymous variant.
Genome position (GRCh38, 1-based): chr11:66,238,836, C>T. VCF-style: chr11-66238836-C-T. GRCh37 (hg19) VCF-style: chr11-66006307-C-T.
Other names: c.2283C>T (NM_018026.3).
Identifiers: ClinVar variation 2057555 (VCV002057555.6), dbSNP rs115633244, ClinGen allele CA6116831.
Genomic context (GRCh38, chr11:66,238,836, plus strand): 5'-CTAATGAGTGCCTCTTCTCTCCTTGCAGGTGGTGAAGGTGGGTCTGGTTGAAGACTCTCC[C>T]TCCACAGCAGGTGAGGCTGGGGCTCCCTTGTTCTGTGGAGTGAGGCTGGTGCCCTCCCTG-3'
Protein context (NP_060496.2, residues 751-771): VVKVGLVEDS[Pro761=]STAGDGDDSP

ClinVar aggregate classification (germline): Benign. Review status: criteria provided, single submitter (1 of 4 stars). 2 submissions from 2 submitters: Benign (1). 1 of the submissions does not count toward it. Last evaluated 2025-12-21.

Conditions:
Schuurs-Hoeijmakers syndrome. Also called: PACS1-Related Neurodevelopmental Disorder. Identifiers: Orphanet 329224, MedGen C3554343, MONDO:0014006, OMIM 615009.
PACS1-related disorder. Also called: PACS1-related condition.

Allele frequency attached by ClinVar (database versions not stated): 1000 Genomes Project 30x 0.00047; gnomAD exomes 0.00011; 1000 Genomes Project 0.00040; gnomAD 0.00008; ExAC 0.00042.
gnomAD v4.1: 168 of 1,584,152 alleles (0.011%); highest among the groups gnomAD compares: East Asian, 0.38%; 1 homozygote.

Submissions (2):

Labcorp Genetics (formerly Invitae), Labcorp
Classification: Benign for Schuurs-Hoeijmakers syndrome. Last evaluated: 2025-12-21. Review status: criteria provided, single submitter. Criteria: Invitae Variant Classification Sherloc (09022015). Collection method: clinical testing. Allele origin: germline.

PreventionGenetics, part of Exact Sciences
Classification: Likely benign for PACS1-related condition. Last evaluated: 2019-04-01. Review status: no assertion criteria provided. Collection method: clinical testing. Allele origin: germline. Not counted in ClinVar's aggregate classification.
Comment: This variant is classified as likely benign based on ACMG/AMP sequence variant interpretation guidelines (Richards et al. 2015 PMID: 25741868, with internal and published modifications).